The following is an entry in ClinVar:

ClinVar aggregate classification (germline): Likely benign (1 of 4 stars; one submission).

Allele frequency attached by ClinVar (database versions not stated): ESP Exome Variant Server 0.00008; gnomAD 0.00029; TOPMed 0.00029; 1000 Genomes Project 30x 0.00156; 1000 Genomes Project 0.00180.
gnomAD v4.1: 186 of 1,613,804 alleles (0.012%); highest among the groups gnomAD compares: East Asian, 0.27%; no homozygotes.

Submission:

CeGaT Center for Human Genetics Tuebingen
Classification: Likely benign. Last evaluated: 2023-01-01. Review status: criteria provided, single submitter. Criteria: CeGaT Center For Human Genetics Tuebingen Variant Classification Criteria Version 2. Collection method: clinical testing. Allele origin: germline. Affected: yes. Observed: 1 variant allele.
Comment: SLC7A6OS: BP4, BP7

NM_032178.3(SLC7A6OS):c.648C>T (p.Ser216=)

Gene: SLC7A6OS (solute carrier family 7 member 6 opposite strand; minus strand). Cytogenetic location: 16q22.1.
Variant type: single nucleotide variant.
Coding change: c.648C>T on transcript NM_032178.3 (MANE Select); coding-DNA position 648, C replaced by T.
Protein change: p.Ser216=; no amino-acid change (serine 216 retained).
Molecular consequence: synonymous variant.
Genome position (GRCh38, 1-based): chr16:68,304,056, G>A on the plus strand (C>T on the coding strand, the complement: SLC7A6OS is on the minus strand). VCF-style: chr16-68304056-G-A. GRCh37 (hg19) VCF-style: chr16-68337959-G-A.
Identifiers: ClinVar variation 2646651 (VCV002646651.24), dbSNP rs188304848, ClinGen allele CA8126675.
Genomic context (GRCh38, chr16:68,304,056, plus strand): 5'-CATGCCCCGTCTGCTCATGGGCCCCCTTACCAGCTCCCATTCTTGGCTGTAGGGCTGCAC[G>A]GAGAGGATGTTCTCAATCCAGCCTGGAGTGGCCGTCTCCAAGTAGTAAATGTCATACACA-3'
Protein context (NP_115554.2, residues 206-226): ATPGWIENIL[Ser216=]VQPYSQEWEL